The following is an entry in ClinVar:

ClinVar aggregate classification (germline): Uncertain significance (1 of 4 stars; one submission).

Allele frequency attached by ClinVar (database versions not stated): gnomAD 0.00004.
gnomAD v4.1: 6 of 1,209,613 alleles (0.0005%); highest among the groups gnomAD compares: African/African-American, 0.0087%; no homozygotes.

Submission:

Labcorp Genetics (formerly Invitae), Labcorp
Classification: Uncertain significance. Last evaluated: 2022-03-01. Review status: criteria provided, single submitter. Criteria: Invitae Variant Classification Sherloc (09022015). Collection method: clinical testing. Allele origin: germline.
Comment: In summary, the available evidence is currently insufficient to determine the role of this variant in disease. Therefore, it has been classified as a Variant of Uncertain Significance. Algorithms developed to predict the effect of missense changes on protein structure and function are either unavailable or do not agree on the potential impact of this missense change (SIFT: "Not Available"; PolyPhen-2: "Benign"; Align-GVGD: "Not Available"). This variant has not been reported in the literature in individuals affected with XK-related conditions. This variant is not present in population databases (gnomAD no frequency). This sequence change replaces phenylalanine, which is neutral and non-polar, with leucine, which is neutral and non-polar, at codon 57 of the XK protein (p.Phe57Leu).

NM_021083.4(XK):c.171C>G (p.Phe57Leu)

Gene: XK (X-linked Kx blood group antigen, Kell and VPS13A binding protein; plus strand). Cytogenetic location: Xp21.1.
Variant type: single nucleotide variant.
Coding change: c.171C>G on transcript NM_021083.4 (MANE Select); coding-DNA position 171, C replaced by G.
Protein change: p.Phe57Leu; replaces phenylalanine 57 with leucine.
Molecular consequence: missense variant.
Genome position (GRCh38, 1-based): chrX:37,686,132, C>G. VCF-style: chrX-37686132-C-G. GRCh37 (hg19) VCF-style: chrX-37545385-C-G.
Other names: short protein forms F57L.
Identifiers: ClinVar variation 2097593 (VCV002097593.4), dbSNP rs1367105998, ClinGen allele CA412969168.
Genomic context (GRCh38, chrX:37,686,132, plus strand): 5'-GGCGCTGACGTTGCTTTTCTCGCTACTGCCTTGCGCGCTCGTGCAGCTCACGCTTCTCTT[C>G]GTACACCGCGACCTCAGCCGCGACCGCCCGCTCGTACTGCTGCTGCACCTGCTGCAACTT-3'
Protein context (NP_066569.1, residues 47-67): PCALVQLTLL[Phe57Leu]VHRDLSRDRP